The following is an entry in ClinVar:

ClinVar aggregate classification (germline): Likely pathogenic (1 of 4 stars; one submission).

Conditions:
Congenital myopathy 2b, severe infantile, autosomal recessive (CMYO2B). Identifiers: MedGen C5830300, MONDO:0859517, OMIM 620265.

Submission:

3billion
Classification: Likely pathogenic for Congenital myopathy 2b, severe infantile, autosomal recessive. Last evaluated: 2025-03-07. Review status: criteria provided, single submitter. Criteria: ACMG Guidelines, 2015. Collection method: clinical testing. Allele origin: germline. Affected: yes.
Comment: The variant is not observed in the gnomAD v4.1.0 dataset. Predicted Consequence/Location: Frameshift: predicted to result in a loss or disruption of normal protein function through protein truncation. Multiple pathogenic variants are reported in the predicted truncated region. Therefore, this variant is classified as Likely pathogenic according to the recommendation of ACMG/AMP guideline.

NM_001100.4(ACTA1):c.946del (p.Gln316fs)

Gene: ACTA1 (actin alpha 1, skeletal muscle; minus strand). Cytogenetic location: 1q42.13.
Variant type: Deletion.
Coding change: c.946del on transcript NM_001100.4 (MANE Select); coding-DNA position 946, one base deleted (C; older notation c.946delC).
Protein change: p.Gln316fs; shifts the reading frame from glutamine 316.
Molecular consequence: frameshift variant.
Genome position (GRCh38, 1-based): chr1:229,431,765, G deleted on the plus strand (C on the coding strand, the reverse complement: ACTA1 is on the minus strand). VCF-style (leftmost placement, unchanged base first): chr1-229431764-TG-T. GRCh37 (hg19) VCF-style: chr1-229567511-TG-T.
Other names: short protein forms Q316fs.
Identifiers: ClinVar variation 4292037 (VCV004292037.1).
Genomic context (GRCh38, chr1:229,431,764, plus strand): 5'-CGCAGGCCACCACCCACCTTGATCTTCATGGTGCTGGGTGCCAGCGCGGTGATCTCTTTC[TG>T]CATGCGGTCAGCGATCCCAGGGTACATCGTGGTGCCCCCCGACATGACGTTGTTGGCATA-3'